The following is an entry in ClinVar:

NM_001256715.2(DNAAF3):c.94G>T (p.Val32Leu)

Genes: DNAAF3 (dynein axonemal assembly factor 3; minus strand), DNAAF3-AS1 (DNAAF3 antisense RNA 1; plus strand). Cytogenetic location: 19q13.42.
Variant type: single nucleotide variant.
Coding change: c.94G>T on transcript NM_001256715.2 (MANE Select); coding-DNA position 94, G replaced by T.
Protein change: p.Val32Leu; replaces valine 32 with leucine.
Molecular consequence: missense variant. On other transcripts: 5 prime UTR variant (1).
Genome position (GRCh38, 1-based): chr19:55,165,992, C>A on the plus strand (G>T on the coding strand, the complement: DNAAF3 is on the minus strand). VCF-style: chr19-55165992-C-A. GRCh37 (hg19) VCF-style: chr19-55677360-C-A.
Other names: c.298G>T, p.Val100Leu (NM_001256714.1); c.-145G>T (NM_001256716.2); c.235G>T, p.Val79Leu (NM_178837.4); short protein forms V100L, V32L, V79L.
Identifiers: ClinVar variation 2190468 (VCV002190468.4), dbSNP rs1319982930, ClinGen allele CA407461822.

ClinVar aggregate classification (germline): Uncertain significance (1 of 4 stars; one submission).

Conditions:
Primary ciliary dyskinesia. Also called: Ciliary dyskinesia. Identifiers: Orphanet 244, MedGen C0008780, MONDO:0016575, HP:0012265.

Allele frequency attached by ClinVar (database versions not stated): gnomAD exomes below 0.00001; gnomAD 0.00001; TOPMed 0.00001.
gnomAD v4.1: 3 of 1,614,110 alleles (0.00019%); highest among the groups gnomAD compares: East Asian, 0.0067%; no homozygotes.

Submission:

Labcorp Genetics (formerly Invitae), Labcorp
Classification: Uncertain significance for Primary ciliary dyskinesia. Last evaluated: 2022-08-23. Review status: criteria provided, single submitter. Criteria: Invitae Variant Classification Sherloc (09022015). Collection method: clinical testing. Allele origin: germline.
Comment: In summary, the available evidence is currently insufficient to determine the role of this variant in disease. Therefore, it has been classified as a Variant of Uncertain Significance. Algorithms developed to predict the effect of missense changes on protein structure and function are either unavailable or do not agree on the potential impact of this missense change (SIFT: "Tolerated"; PolyPhen-2: "Possibly Damaging"; Align-GVGD: "Class C0"). This variant has not been reported in the literature in individuals affected with DNAAF3-related conditions. This variant is present in population databases (no rsID available, gnomAD 0.02%). This sequence change replaces valine, which is neutral and non-polar, with leucine, which is neutral and non-polar, at codon 100 of the DNAAF3 protein (p.Val100Leu).